The following is an entry in ClinVar:

ClinVar aggregate classification (germline): Likely benign. Review status: reviewed by expert panel (3 of 4 stars). 10 submissions from 9 submitters: Likely benign (1). 9 of the submissions do not count toward it. Last evaluated 2024-04-22.

Conditions:
RPE65-related recessive retinopathy. Also called: Recessive RPE65 retinopathy. Identifiers: MedGen CN305526, MONDO:0100368.
Retinitis pigmentosa 20 (RP20). Identifiers: Orphanet 791, MedGen C3151086, MONDO:0013425, OMIM 613794.
Leber congenital amaurosis 2 (LCA2). Also called: Autosomal Recessive RPE65-Related Retinal Degeneration; AMAUROSIS CONGENITA OF LEBER II. Identifiers: Orphanet 65, MedGen C1859844, MONDO:0008765, OMIM 204100. Disease mechanism: loss of function.
Retinitis pigmentosa (RP). Identifiers: Orphanet 791, MedGen C0035334, MeSH D012174, MONDO:0019200, OMIM 268000. Inheritance: Autosomal dominant, autosomal recessive and X linked inheritance.

Allele frequency attached by ClinVar (database versions not stated): gnomAD exomes 0.00031 and 0.00057; ExAC 0.00068; ESP Exome Variant Server 0.00161; gnomAD 0.00178 and 0.00186; TOPMed 0.00193; 1000 Genomes Project 0.00240; 1000 Genomes Project 30x 0.00281.
gnomAD v4.1: 777 of 1,613,902 alleles (0.048%); highest among the groups gnomAD compares: African/African-American, 0.5%; 1 homozygote.

Submissions (10):

ClinGen Leber Congenital Amaurosis/early Onset Retinal Dystrophy Variant Curation Expert Panel, ClinGen
Classification: Likely benign for RPE65-related recessive retinopathy. Last evaluated: 2024-04-22. Review status: reviewed by expert panel. Criteria: ClinGen LCAeoRD ACMG Specifications RPE65 V1.0.0. Collection method: curation. Allele origin: germline. Inheritance: Autosomal recessive inheritance.
Comment: The variant NM_000329.3(RPE65):c.978G>T, p.Val326= is a synonymous (silent) variant in exon 9. This variant is present in gnomAD v.4.0.0 at a GrpMax allele frequency of 0.004399, with 376 alleles/74964 total alleles in the African/African American population, which is greater than the ClinGen LCA/eoRD VCEP BS1 threshold of >0.0008 (BS1). The splicing impact predictor SpliceAI gives a delta score of 0.02, which is below the ClinGen LCA/eoRD VCEP recommended threshold of <0.1 and does not predict an impact on splicing (BP4, BP7). In summary, this variant meets the criteria to be classified as likely benign for RPE65-related recessive retinopathy based on the ACMG/AMP criteria applied, as specified by the ClinGen LCA/eoRD VCEP: BS1, BP4, BP7. (VCEP specifications version 1.0.0; date of approval 09/21/2023).

CeGaT Center for Human Genetics Tuebingen
Classification: Likely benign. Last evaluated: 2026-09-01. Review status: criteria provided, single submitter. Criteria: CeGaT Center For Human Genetics Tuebingen Variant Classification Criteria Version 2. Collection method: clinical testing. Allele origin: germline. Affected: yes. Observed: 3 variant alleles. Not counted in ClinVar's aggregate classification.
Comment: RPE65: BP4, BP7

Labcorp Genetics (formerly Invitae), Labcorp
Classification: Benign for Leber congenital amaurosis 2; Retinitis pigmentosa 20. Last evaluated: 2026-01-31. Review status: criteria provided, single submitter. Criteria: Invitae Variant Classification Sherloc (09022015). Collection method: clinical testing. Allele origin: germline. Not counted in ClinVar's aggregate classification.

Blueprint Genetics
Classification: Likely benign. Last evaluated: 2024-11-06. Review status: criteria provided, single submitter. Criteria: ACMG Guidelines, 2015. Collection method: clinical testing. Allele origin: germline. Not counted in ClinVar's aggregate classification.

Illumina Laboratory Services, Illumina
Classification: Uncertain significance for Leber congenital amaurosis 2. Last evaluated: 2017-12-28. Review status: criteria provided, single submitter. Criteria: ICSL Variant Classification Criteria 13 December 2019. Collection method: clinical testing. Allele origin: germline. Not counted in ClinVar's aggregate classification.
Comment: This variant was observed as part of a predisposition screen in an ostensibly healthy population. A literature search was performed for the gene, cDNA change, and amino acid change (where applicable). Publications were found based on this search. However, the evidence from the literature, in combination with allele frequency data from public databases where available, was not sufficient to rule this variant in or out of causing disease. Therefore, this variant is classified as a variant of unknown significance.

Illumina Laboratory Services, Illumina
Classification: Likely benign for Retinitis pigmentosa. Last evaluated: 2017-12-28. Review status: criteria provided, single submitter. Criteria: ICSL Variant Classification Criteria 13 December 2019. Collection method: clinical testing. Allele origin: germline. Not counted in ClinVar's aggregate classification.
Comment: This variant was observed as part of a predisposition screen in an ostensibly healthy population. A literature search was performed for the gene, cDNA change, and amino acid change (where applicable). Publications were found based on this search. The evidence from the literature, in combination with allele frequency data from public databases where available, was sufficient to determine this variant is unlikely to cause disease. Therefore, this variant is classified as likely benign.

Eurofins Ntd Llc (ga)
Classification: Likely benign. Last evaluated: 2016-08-23. Review status: criteria provided, single submitter. Criteria: EGL Classification Definitions 2015. Collection method: clinical testing. Allele origin: germline. Observed: 1 variant allele, 1 heterozygote. Not counted in ClinVar's aggregate classification.

GeneDx
Classification: Benign. Last evaluated: 2015-03-03. Review status: criteria provided, single submitter. Criteria: GeneDx Variant Classification Process June 2021. Collection method: clinical testing. Allele origin: germline. Affected: yes. Not counted in ClinVar's aggregate classification.

Counsyl
Classification: Likely benign for Leber congenital amaurosis 2; Retinitis pigmentosa 20. Last evaluated: 2018-01-04. Review status: no assertion criteria provided. Collection method: clinical testing. Allele origin: unknown. Not counted in ClinVar's aggregate classification.

Retina International
No classification provided. Review status: no classification provided. Collection method: not provided. Allele origin: not provided. Not counted in ClinVar's aggregate classification.

Literature cited by the submitters: PubMed 14971589 (cited by Illumina Laboratory Services, Illumina); PubMed 9501220 (cited by Illumina Laboratory Services, Illumina and Counsyl); PubMed 18722466 (cited by Illumina Laboratory Services, Illumina and Counsyl); PubMed 17964524 (cited by Counsyl).

NM_000329.3(RPE65):c.978G>T (p.Val326=)

Gene: RPE65 (retinoid isomerohydrolase RPE65; minus strand). Cytogenetic location: 1p31.3.
Variant type: single nucleotide variant.
Coding change: c.978G>T on transcript NM_000329.3 (MANE Select); coding-DNA position 978, G replaced by T.
Protein change: p.Val326=; no amino-acid change (valine 326 retained).
Molecular consequence: synonymous variant.
Genome position (GRCh38, 1-based): chr1:68,438,962, C>A on the plus strand (G>T on the coding strand, the complement: RPE65 is on the minus strand). VCF-style: chr1-68438962-C-A. GRCh37 (hg19) VCF-style: chr1-68904645-C-A.
Other names: NM_000329.3(RPE65):c.978G>T; p.Val326=.
Identifiers: ClinVar variation 98903 (VCV000098903.42), dbSNP rs61752907, ClinGen allele CA226597.